The following is an entry in ClinVar:

NM_007327.4(GRIN1):c.679G>C (p.Asp227His)

Gene: GRIN1 (glutamate ionotropic receptor NMDA type subunit 1; plus strand). Cytogenetic location: 9q34.3.
Variant type: single nucleotide variant.
Coding change: c.679G>C on transcript NM_007327.4 (MANE Select); coding-DNA position 679, G replaced by C.
Protein change: p.Asp227His; replaces aspartic acid 227 with histidine.
Molecular consequence: missense variant.
Genome position (GRCh38, 1-based): chr9:137,156,676, G>C. VCF-style: chr9-137156676-G-C. GRCh37 (hg19) VCF-style: chr9-140051128-G-C.
Other names: c.679G>C, p.Asp227His (NM_000832.7, NM_021569.4); c.742G>C, p.Asp248His (NM_001185090.2, NM_001185091.2); short protein forms D227H, D248H.
Identifiers: ClinVar variation 224815 (VCV000224815.5), dbSNP rs869312865, ClinGen allele CA357904.

ClinVar aggregate classification (germline): Likely pathogenic. Review status: criteria provided, multiple submitters, no conflicts (2 of 4 stars). 3 submissions from 3 submitters: Likely pathogenic (2). 1 of the submissions does not count toward it. Last evaluated 2016-04-05.

Conditions:
NEURODEVELOPMENTAL DISORDER WITH HYPERKINETIC MOVEMENTS WITH OR WITHOUT SEIZURES, AUTOSOMAL RECESSIVE.
Neurodevelopmental disorder with or without hyperkinetic movements and seizures, autosomal recessive. Identifiers: MedGen C4693325, MONDO:0060629, OMIM 617820.
Neurodevelopmental disorder with or without hyperkinetic movements and seizures, autosomal dominant. Also called: Intellectual disability, autosomal dominant 8. Identifiers: MedGen C3280282, MONDO:0013655, OMIM 614254.

gnomAD v4.1: 1 of 1,600,506 alleles (0.000062%); highest among the groups gnomAD compares: Non-Finnish European, 0.000085%; no homozygotes.

Submissions (3):

Cytogénomique, Hospices Civils de Lyon
Classification: Likely pathogenic for Neurodevelopmental disorder with or without hyperkinetic movements and seizures, autosomal dominant; Neurodevelopmental disorder with or without hyperkinetic movements and seizures, autosomal recessive. Last evaluated: 2016-04-05. Review status: criteria provided, single submitter. Criteria: ACMG Guidelines, 2015. Collection method: clinical testing. Allele origin: inherited. Inheritance: Autosomal recessive inheritance. Affected: yes.

Lupski Lab, Baylor-Hopkins CMG, Baylor College of Medicine
Classification: Likely pathogenic for Neurodevelopmental disorder with or without hyperkinetic movements and seizures, autosomal dominant. Last evaluated: 2015-09-09. Review status: criteria provided, single submitter. Criteria: Bosch et al. (EJHG 2015). Collection method: research. Allele origin: germline. Affected: yes and no. Observed: 3 variant alleles, 2 heterozygotes, 1 homozygote.
Comment: This study shows that diverse genetic causes underlie CVI.

OMIM
Classification: Pathogenic for NEURODEVELOPMENTAL DISORDER WITH HYPERKINETIC MOVEMENTS WITH OR WITHOUT SEIZURES, AUTOSOMAL RECESSIVE. Last evaluated: 2022-03-28. Review status: no assertion criteria provided. Collection method: literature only. Allele origin: germline. Not counted in ClinVar's aggregate classification.

Literature cited by the submitters: PubMed 28051072 (cited by OMIM); PubMed 27164704 (cited by OMIM).